The following is an entry in ClinVar:

NM_000282.4(PCCA):c.640dup (p.Tyr214fs)

Gene: PCCA (propionyl-CoA carboxylase subunit alpha; plus strand). Cytogenetic location: 13q32.3.
Variant type: Duplication.
Coding change: c.640dup on transcript NM_000282.4 (MANE Select); coding-DNA position 640, one base duplicated (T; older notation c.640dupT).
Protein change: p.Tyr214fs; shifts the reading frame from tyrosine 214.
Molecular consequence: frameshift variant. On other transcripts: non-coding transcript variant (5), intron variant (3).
Genome position (GRCh38, 1-based): chr13:100,257,597, T duplicated. VCF-style (leftmost placement, unchanged base first): chr13-100257596-C-CT. GRCh37 (hg19) VCF-style: chr13-100909850-C-CT.
Other names: c.562dup, p.Tyr188fs (NM_001127692.3, NM_001352607.2, NM_001352608.2); c.640dup, p.Tyr214fs (NM_001178004.2, NM_001352605.2, NM_001352606.2 and 1 more transcripts); c.-229-5132dup (NM_001352610.2, NM_001352611.2, NM_001352612.2); short protein forms Y188fs, Y214fs.
Identifiers: ClinVar variation 5011361 (VCV005011361.1).
Genomic context (GRCh38, chr13:100,257,596, plus strand): 5'-TGTTCATACATCCCAATGATCAAAGTCTGAACTTCTGTCTAATTCTTCCCTGCTGTTAGG[C>CT]TACCCTGTCATGATCAAGGCCTCAGCAGGTGGTGGTGGGAAAGGCATGCGCATTGCTTGG-3'

ClinVar aggregate classification (germline): Pathogenic (1 of 4 stars; one submission).

Conditions:
Propionic acidemia (PROP). Also called: GLYCINEMIA, KETOTIC; HYPERGLYCINEMIA WITH KETOACIDOSIS AND LEUKOPENIA; KETOTIC HYPERGLYCINEMIA. Identifiers: Orphanet 35, MedGen C0268579, MONDO:0011628, OMIM 606054, HP:0003571.

Submission:

Myriad Genetics, Inc.
Classification: Pathogenic for Propionic acidemia. Last evaluated: 2023-08-16. Review status: criteria provided, single submitter. Criteria: Myriad Autosomal Dominant, Autosomal Recessive and X-Linked Classification Criteria (2023). Collection method: clinical testing. Allele origin: unknown.
Comment: NM_000282.3(PCCA):c.640dupT(Y214Lfs*22) is expected to be pathogenic in the context of PCCA-related propionic acidemia. This variant is predicted to lead to an abnormal or absent protein product due to the creation of a premature termination codon in PCCA, a gene where loss-of-function variants are known to be pathogenic. Please note: this variant was assessed in the context of healthy population screening.